The following is an entry in ClinVar:

NM_032043.3(BRIP1):c.418G>C (p.Ala140Pro)

Gene: BRIP1 (BRCA1 interacting DNA helicase 1; minus strand). Cytogenetic location: 17q23.2.
Variant type: single nucleotide variant.
Coding change: c.418G>C on transcript NM_032043.3 (MANE Select); coding-DNA position 418, G replaced by C.
Protein change: p.Ala140Pro; replaces alanine 140 with proline.
Molecular consequence: missense variant.
Genome position (GRCh38, 1-based): chr17:61,849,218, C>G on the plus strand (G>C on the coding strand, the complement: BRIP1 is on the minus strand). VCF-style: chr17-61849218-C-G. GRCh37 (hg19) VCF-style: chr17-59926579-C-G.
Other names: short protein forms A140P.
Identifiers: ClinVar variation 2449940 (VCV002449940.2), dbSNP rs2078780535, ClinGen allele CA400484543.

ClinVar aggregate classification (germline): Uncertain significance (1 of 4 stars; one submission).

Conditions:
Hereditary cancer-predisposing syndrome. Also called: Neoplastic Syndromes, Hereditary; Tumor predisposition; Hereditary neoplastic syndrome; Hereditary Cancer Syndrome. Identifiers: Orphanet 140162, MedGen C0027672, MeSH D009386, MONDO:0015356.

Submission:

Ambry Genetics
Classification: Uncertain significance for Hereditary cancer-predisposing syndrome. Last evaluated: 2023-02-12. Review status: criteria provided, single submitter. Criteria: Ambry Variant Classification Scheme 2023. Collection method: clinical testing. Allele origin: germline.
Comment: The p.A140P variant (also known as c.418G>C), located in coding exon 4 of the BRIP1 gene, results from a G to C substitution at nucleotide position 418. The alanine at codon 140 is replaced by proline, an amino acid with highly similar properties. This amino acid position is conserved. In addition, the in silico prediction for this alteration is inconclusive. Since supporting evidence is limited at this time, the clinical significance of this alteration remains unclear.